The following is an entry in ClinVar:

NM_005612.5(REST):c.280G>C (p.Glu94Gln)

Gene: REST (RE1 silencing transcription factor; plus strand). Cytogenetic location: 4q12.
Variant type: single nucleotide variant.
Coding change: c.280G>C on transcript NM_005612.5 (MANE Select); coding-DNA position 280, G replaced by C.
Protein change: p.Glu94Gln; replaces glutamic acid 94 with glutamine.
Molecular consequence: missense variant.
Genome position (GRCh38, 1-based): chr4:56,910,918, G>C. VCF-style: chr4-56910918-G-C. GRCh37 (hg19) VCF-style: chr4-57777084-G-C.
Other names: c.280G>C, p.Glu94Gln (NM_001193508.2, NM_001363453.3); short protein forms E94Q.
Identifiers: ClinVar variation 3650407 (VCV003650407.2).
Genomic context (GRCh38, chr4:56,910,918, plus strand): 5'-GCAGAACTGATGCCGGTTGGGGATAACAACTTTTCAGATAGTGAAGAAGGAGAAGGACTT[G>C]AAGAGTCTGCTGATATAAAAGGTGAACCTCATGGACTGGAAAACATGGAACTGAGAAGTT-3'
Protein context (NP_005603.3, residues 84-104): FSDSEEGEGL[Glu94Gln]ESADIKGEPH

ClinVar aggregate classification (germline): Uncertain significance (1 of 4 stars; one submission).

gnomAD v4.1: 5 of 1,614,192 alleles (0.00031%); highest among the groups gnomAD compares: Non-Finnish European, 0.00042%; no homozygotes.

Submission:

Labcorp Genetics (formerly Invitae), Labcorp
Classification: Uncertain significance. Last evaluated: 2024-04-18. Review status: criteria provided, single submitter. Criteria: Invitae Variant Classification Sherloc (09022015). Collection method: clinical testing. Allele origin: germline.
Comment: This sequence change replaces glutamic acid, which is acidic and polar, with glutamine, which is neutral and polar, at codon 94 of the REST protein (p.Glu94Gln). This variant is not present in population databases (gnomAD no frequency). This variant has not been reported in the literature in individuals affected with REST-related conditions. An algorithm developed to predict the effect of missense changes on protein structure and function (PolyPhen-2) suggests that this variant is likely to be disruptive. In summary, the available evidence is currently insufficient to determine the role of this variant in disease. Therefore, it has been classified as a Variant of Uncertain Significance.